The following is an entry in ClinVar:

ClinVar aggregate classification (germline): Uncertain significance. Review status: criteria provided, multiple submitters, no conflicts (2 of 4 stars). 2 submissions from 2 submitters: Uncertain significance (2). Last evaluated 2025-05-16.

Conditions:
Inborn genetic diseases. Identifiers: MedGen C0950123, MeSH D030342.

Allele frequency attached by ClinVar (database versions not stated): TOPMed 0.00001.

Submissions (2):

Ambry Genetics
Classification: Uncertain significance for Inborn genetic diseases. Last evaluated: 2025-05-16. Review status: criteria provided, single submitter. Criteria: Ambry Variant Classification Scheme 2023. Collection method: clinical testing. Allele origin: germline.

Labcorp Genetics (formerly Invitae), Labcorp
Classification: Uncertain significance. Last evaluated: 2022-03-19. Review status: criteria provided, single submitter. Criteria: Invitae Variant Classification Sherloc (09022015). Collection method: clinical testing. Allele origin: germline.
Comment: This sequence change replaces proline, which is neutral and non-polar, with threonine, which is neutral and polar, at codon 913 of the ABCC6 protein (p.Pro913Thr). This variant is not present in population databases (gnomAD no frequency). This variant has not been reported in the literature in individuals affected with ABCC6-related conditions. Advanced modeling of protein sequence and biophysical properties (such as structural, functional, and spatial information, amino acid conservation, physicochemical variation, residue mobility, and thermodynamic stability) performed at Invitae indicates that this missense variant is not expected to disrupt ABCC6 protein function. In summary, the available evidence is currently insufficient to determine the role of this variant in disease. Therefore, it has been classified as a Variant of Uncertain Significance.

NM_001171.6(ABCC6):c.2737C>A (p.Pro913Thr)

Gene: ABCC6 (ATP binding cassette subfamily C member 6; minus strand). Cytogenetic location: 16p13.11.
Variant type: single nucleotide variant.
Coding change: c.2737C>A on transcript NM_001171.6 (MANE Select); coding-DNA position 2737, C replaced by A.
Protein change: p.Pro913Thr; replaces proline 913 with threonine.
Molecular consequence: missense variant. On other transcripts: non-coding transcript variant (1).
Genome position (GRCh38, 1-based): chr16:16,173,334, G>T on the plus strand (C>A on the coding strand, the complement: ABCC6 is on the minus strand). VCF-style: chr16-16173334-G-T. GRCh37 (hg19) VCF-style: chr16-16267191-G-T.
Other names: c.2395C>A, p.Pro799Thr (NM_001351800.1); c.2737C>A (NM_001171.5); short protein forms P799T, P913T.
Identifiers: ClinVar variation 2162570 (VCV002162570.2), dbSNP rs1296267226, ClinGen allele CA394885931.